The following is an entry in ClinVar:

NM_001267550.2(TTN):c.542G>A (p.Ser181Asn)

Gene: TTN (titin; minus strand). Cytogenetic location: 2q31.2.
Variant type: single nucleotide variant.
Coding change: c.542G>A on transcript NM_001267550.2 (MANE Select); coding-DNA position 542, G replaced by A.
Protein change: p.Ser181Asn; replaces serine 181 with asparagine.
Molecular consequence: missense variant.
Genome position (GRCh38, 1-based): chr2:178,800,436, C>T on the plus strand (G>A on the coding strand, the complement: TTN is on the minus strand). VCF-style: chr2-178800436-C-T. GRCh37 (hg19) VCF-style: chr2-179665163-C-T.
Other names: p.S181N:AGC>AAC; c.542G>A, p.Ser181Asn (NM_001256850.1, NM_133378.4, NM_003319.4 and 3 more transcripts); short protein forms S181N.
Identifiers: ClinVar variation 47178 (VCV000047178.48), dbSNP rs72647843, ClinGen allele CA283548.
Genomic context (GRCh38, chr2:178,800,436, plus strand): 5'-CTCAACCTCCAGCACGTACCTTGAACCAGTAATTCAGCAGTCGAAGTAGCTCTTCCAACG[C>T]TATTGGTGGCATTTACTGAATAGGTCCCTGAGTCCTCAGGGTATGCTTCTGCAATCAGTA-3'
Protein context (NP_001254479.2, residues 171-191): SGTYSVNATN[Ser181Asn]VGRATSTAEL

ClinVar aggregate classification (germline): Benign/Likely benign. Review status: criteria provided, multiple submitters, no conflicts (2 of 4 stars). 25 submissions from 18 submitters: Benign (17); Likely benign (3). 5 of the submissions do not count toward it. Last evaluated 2026-02-04.

Conditions:
Cardiovascular phenotype. Identifiers: MedGen CN230736.
Dilated cardiomyopathy 1G (CMD1G). Identifiers: Orphanet 154, MedGen C1858763, MONDO:0011400, OMIM 604145.
Autosomal recessive limb-girdle muscular dystrophy type 2J (LGMDR10). Also called: Limb-girdle muscular dystrophy, type 2J; MUSCULAR DYSTROPHY, LIMB-GIRDLE, AUTOSOMAL RECESSIVE 10. Identifiers: Orphanet 140922, MedGen C1837342, MONDO:0012127, OMIM 608807.
Cardiomyopathy (CMYO). Also called: Cardiomyopathies. Identifiers: Orphanet 167848, MedGen C0878544, MONDO:0004994, HP:0001638. Inheritance: Various modes of inheritance.
Early-onset myopathy with fatal cardiomyopathy (CMYO5). Also called: CONGENITAL MYOPATHY 5 WITH CARDIOMYOPATHY; Salih Myopathy. Identifiers: Orphanet 289377, MedGen C2673677, MONDO:0012714, OMIM 611705. Disease mechanism: loss of function.
Myopathy, myofibrillar, 9, with early respiratory failure (MFM9). Also called: MYOPATHY, PROXIMAL, WITH EARLY RESPIRATORY MUSCLE INVOLVEMENT; Myopathy, distal, with early respiratory failure, autosomal dominant; Hereditary myopathy with early respiratory failure; EDSTROM MYOPATHY. Identifiers: Orphanet 178464, Orphanet 34521, MedGen C1863599, MONDO:0011362, OMIM 603689.
Tibial muscular dystrophy (TMD). Also called: Tibial muscular dystrophy, tardive; UDD MYOPATHY; Udd Distal Myopathy – Tibial Muscular Dystrophy. Identifiers: Orphanet 609, MedGen C1838244, MONDO:0010870, OMIM 600334.

Allele frequency attached by ClinVar (database versions not stated): gnomAD exomes 0.00456; ExAC 0.00553; gnomAD 0.01658 and 0.01782; 1000 Genomes Project 0.01817; TOPMed 0.01884; 1000 Genomes Project 30x 0.01968; ESP Exome Variant Server 0.02130.
gnomAD v4.1: 5,158 of 1,614,158 alleles (0.32%); highest among the groups gnomAD compares: African/African-American, 5.8%; 151 homozygotes.

Submissions (25):

Labcorp Genetics (formerly Invitae), Labcorp
Classification: Benign for Dilated cardiomyopathy 1G; Autosomal recessive limb-girdle muscular dystrophy type 2J. Last evaluated: 2026-02-04. Review status: criteria provided, single submitter. Criteria: Invitae Variant Classification Sherloc (09022015). Collection method: clinical testing. Allele origin: germline.

ARUP Laboratories, Molecular Genetics and Genomics, ARUP Laboratories
Classification: Benign. Last evaluated: 2025-06-25. Review status: criteria provided, single submitter. Criteria: ARUP Molecular Germline Variant Investigation Process 2024. Collection method: clinical testing. Allele origin: germline.

Molecular Diagnostic Laboratory for Inherited Cardiovascular Disease, Montreal Heart Institute
Classification: Likely benign. Last evaluated: 2025-04-09. Review status: criteria provided, single submitter. Criteria: ACMG Guidelines, 2015. Collection method: clinical testing. Allele origin: germline. Affected: no.

Mayo Clinic Laboratories, Mayo Clinic
Classification: Benign. Last evaluated: 2022-10-26. Review status: criteria provided, single submitter. Criteria: ACMG Guidelines, 2015. Collection method: clinical testing. Allele origin: germline. Observed: 30 variant alleles.
Comment: BA1

Genome-Nilou Lab
Classification: Benign for Autosomal recessive limb-girdle muscular dystrophy type 2J. Last evaluated: 2021-09-10. Review status: criteria provided, single submitter. Criteria: ACMG Guidelines, 2015. Collection method: clinical testing. Allele origin: germline. Affected: no.

Genome-Nilou Lab
Classification: Benign for Myopathy, myofibrillar, 9, with early respiratory failure. Last evaluated: 2021-09-10. Review status: criteria provided, single submitter. Criteria: ACMG Guidelines, 2015. Collection method: clinical testing. Allele origin: germline. Affected: no.

Genome-Nilou Lab
Classification: Benign for Early-onset myopathy with fatal cardiomyopathy. Last evaluated: 2021-09-10. Review status: criteria provided, single submitter. Criteria: ACMG Guidelines, 2015. Collection method: clinical testing. Allele origin: germline. Affected: no.

Genome-Nilou Lab
Classification: Benign for Tibial muscular dystrophy. Last evaluated: 2021-09-10. Review status: criteria provided, single submitter. Criteria: ACMG Guidelines, 2015. Collection method: clinical testing. Allele origin: germline. Affected: no.

Women's Health and Genetics/Laboratory Corporation of America, LabCorp
Classification: Benign. Last evaluated: 2019-11-06. Review status: criteria provided, single submitter. Criteria: LabCorp Variant Classification Summary - May 2015. Collection method: clinical testing. Allele origin: germline.
Comment: Variant summary: TTN c.542G>A (p.Ser181Asn) results in a conservative amino acid change located in the Z-disk region of the encoded protein sequence. Five of five in-silico tools predict a benign effect of the variant on protein function. The variant allele was found at a frequency of 0.0046 in 251376 control chromosomes, predominantly at a frequency of 0.059 within the African or African-American subpopulation in the gnomAD database, including 37 homozygotes. The observed variant frequency within African or African-American control individuals in the gnomAD database is approximately 94- fold the estimated maximal expected allele frequency for a pathogenic variant in TTN causing Cardiomyopathy phenotype (0.00063), strongly suggesting that the variant is a benign polymorphism found primarily in populations of African or African-American origin. To our knowledge, no occurrence of c.542G>A in individuals affected with Cardiomyopathy and no experimental evidence demonstrating an impact on protein function have been reported in the literature. Co-occurrence with another pathogenic variant has been reported (TTR c.424G>A, p.Val142Ile; internal sample), providing supporting evidence for a benign role. Three clinical diagnostic laboratories have submitted clinical-significance assessments for this variant to ClinVar after 2014 without evidence for independent evaluation. All laboratories cited the variant as benign/likely benign. Based on the evidence outlined above, the variant was classified as benign.

Illumina Laboratory Services, Illumina
Classification: Likely benign for Dilated cardiomyopathy 1G. Last evaluated: 2018-01-12. Review status: criteria provided, single submitter. Criteria: ICSL Variant Classification Criteria 13 December 2019. Collection method: clinical testing. Allele origin: germline.
Comment: This variant was observed in the ICSL laboratory as part of a predisposition screen in an ostensibly healthy population. It had not been previously curated by ICSL or reported in the Human Gene Mutation Database (HGMD: prior to June 1st, 2018), and was therefore a candidate for classification through an automated scoring system. Utilizing variant allele frequency, disease prevalence and penetrance estimates, and inheritance mode, an automated score was calculated to assess if this variant is too frequent to cause the disease. Based on the score and internal cut-off values, a variant classified as likely benign is not then subjected to further curation. The score for this variant resulted in a classification of likely benign for this disease.

Illumina Laboratory Services, Illumina
Classification: Benign for Tibial muscular dystrophy. Last evaluated: 2018-01-12. Review status: criteria provided, single submitter. Criteria: ICSL Variant Classification Criteria 13 December 2019. Collection method: clinical testing. Allele origin: germline.
Comment: This variant was observed in the ICSL laboratory as part of a predisposition screen in an ostensibly healthy population. It had not been previously curated by ICSL or reported in the Human Gene Mutation Database (HGMD: prior to June 1st, 2018), and was therefore a candidate for classification through an automated scoring system. Utilizing variant allele frequency, disease prevalence and penetrance estimates, and inheritance mode, an automated score was calculated to assess if this variant is too frequent to cause the disease. Based on the score and internal cut-off values, a variant classified as benign is not then subjected to further curation. The score for this variant resulted in a classification of benign for this disease.

Illumina Laboratory Services, Illumina
Classification: Benign for Myopathy, myofibrillar, 9, with early respiratory failure. Last evaluated: 2018-01-12. Review status: criteria provided, single submitter. Criteria: ICSL Variant Classification Criteria 13 December 2019. Collection method: clinical testing. Allele origin: germline.
Comment: the same text as in the submission from Illumina Laboratory Services, Illumina above.

Illumina Laboratory Services, Illumina
Classification: Benign for Early-onset myopathy with fatal cardiomyopathy. Last evaluated: 2018-01-12. Review status: criteria provided, single submitter. Criteria: ICSL Variant Classification Criteria 13 December 2019. Collection method: clinical testing. Allele origin: germline.
Comment: the same text as in the submission from Illumina Laboratory Services, Illumina above.

Illumina Laboratory Services, Illumina
Classification: Benign for Autosomal recessive limb-girdle muscular dystrophy type 2J. Last evaluated: 2018-01-12. Review status: criteria provided, single submitter. Criteria: ICSL Variant Classification Criteria 13 December 2019. Collection method: clinical testing. Allele origin: germline.
Comment: the same text as in the submission from Illumina Laboratory Services, Illumina above.

CHEO Genetics Diagnostic Laboratory, Children's Hospital of Eastern Ontario
Classification: Benign for Cardiomyopathy. Last evaluated: 2016-02-05. Review status: criteria provided, single submitter. Criteria: ACMG Guidelines, 2015. Collection method: clinical testing. Allele origin: germline. Study: Canadian Open Genetics Repository.

GeneDx
Classification: Benign. Last evaluated: 2014-02-10. Review status: criteria provided, single submitter. Criteria: GeneDx Variant Classification (06012015). Collection method: clinical testing. Allele origin: germline. Affected: yes.
Comment: This variant is considered likely benign or benign based on one or more of the following criteria: it is a conservative change, it occurs at a poorly conserved position in the protein, it is predicted to be benign by multiple in silico algorithms, and/or has population frequency not consistent with disease.

Ambry Genetics
Classification: Benign for Cardiovascular phenotype. Last evaluated: 2013-07-18. Review status: criteria provided, single submitter. Criteria: Ambry Autosomal Dominant and X-Linked criteria (10/2015). Collection method: clinical testing. Allele origin: germline. Observed: 1 variant allele.

Biesecker Lab/Clinical Genomics Section, National Institutes of Health
Classification: Benign. Last evaluated: 2013-06-24. Review status: criteria provided, single submitter. Criteria: Ng et al. (Circ Cardiovasc Genet. 2013). Collection method: research. Allele origin: unknown. Observed: 4 variant alleles. Study: ClinSeq.
Comment: The study set was not selected for affection status in relation to any cancer. Pathogenicity categories were based on literature curation. See Pubmed ID:23861362 for details.

Medical sequencing

Laboratory for Molecular Medicine, Mass General Brigham Personalized Medicine
Classification: Benign. Last evaluated: 2012-05-24. Review status: criteria provided, single submitter. Criteria: LMM Criteria. Collection method: clinical testing. Allele origin: germline. Observed: 37 variant alleles.
Comment: 6.2% (232/3738) of Afr Amer chrom in ESP

Breakthrough Genomics
Classification: Likely benign. Review status: criteria provided, single submitter. Criteria: ACMG Guidelines, 2015. Collection method: not provided. Allele origin: germline. Inheritance: Autosomal recessive inheritance. Affected: yes.

Clinical Genetics DNA and cytogenetics Diagnostics Lab, Erasmus MC, Erasmus Medical Center
Classification: Benign. Review status: no assertion criteria provided. Collection method: clinical testing. Allele origin: germline. Affected: yes. Study: VKGL Data-share Consensus. Not counted in ClinVar's aggregate classification.

Clinical Genetics, Academic Medical Center
Classification: Benign. Review status: no assertion criteria provided. Collection method: clinical testing. Allele origin: germline. Affected: yes. Study: VKGL Data-share Consensus. Not counted in ClinVar's aggregate classification.

Diagnostic Laboratory, Department of Genetics, University Medical Center Groningen
Classification: Likely benign. Review status: no assertion criteria provided. Collection method: clinical testing. Allele origin: germline. Affected: yes. Study: VKGL Data-share Consensus. Not counted in ClinVar's aggregate classification.

Genetic Services Laboratory, University of Chicago
Classification: Likely benign for AllHighlyPenetrant. Review status: no assertion criteria provided. Collection method: clinical testing. Allele origin: germline. Not counted in ClinVar's aggregate classification.
Comment: Likely benign based on allele frequency in 1000 Genomes Project or ESP global frequency and its presence in a patient with a rare or unrelated disease phenotype. NOT Sanger confirmed.

Laboratory of Diagnostic Genome Analysis, Leiden University Medical Center (LUMC)
Classification: Likely benign. Review status: no assertion criteria provided. Collection method: clinical testing. Allele origin: germline. Affected: yes. Study: VKGL Data-share Consensus. Not counted in ClinVar's aggregate classification.